The following is an entry in ClinVar:

ClinVar aggregate classification (germline): Benign (1 of 4 stars; one submission).

Allele frequency attached by ClinVar (database versions not stated): gnomAD 0.02893 and 0.02970; TOPMed 0.03286; 1000 Genomes Project 30x 0.04310; 1000 Genomes Project 0.04373.

Submission:

GeneDx
Classification: Benign. Last evaluated: 2018-06-19. Review status: criteria provided, single submitter. Criteria: GeneDx Variant Classification (06012015). Collection method: clinical testing. Allele origin: germline. Affected: yes.
Comment: This variant is considered likely benign or benign based on one or more of the following criteria: it is a conservative change, it occurs at a poorly conserved position in the protein, it is predicted to be benign by multiple in silico algorithms, and/or has population frequency not consistent with disease.

NM_003978.5(PSTPIP1):c.417+207_417+208del

Gene: PSTPIP1 (proline-serine-threonine phosphatase interacting protein 1; plus strand). Cytogenetic location: 15q24.3.
Variant type: Deletion.
Coding change: c.417+207_417+208del on transcript NM_003978.5 (MANE Select); bases 207 to 208 of the intron after coding-DNA position 417, 2 bases deleted (TT; older notation c.417+207_417+208delTT).
Molecular consequence: intron variant.
Genome position (GRCh38, 1-based): chr15:77,028,121-77,028,122, TT deleted. VCF-style (leftmost placement, unchanged base first): chr15-77028120-CTT-C. GRCh37 (hg19) VCF-style: chr15-77320461-CTT-C.
Other names: c.612+207_612+208del (NM_001321137.1); c.390+207_390+208del (NM_001321136.2); c.417+207_417+208del (NM_001321135.2).
Identifiers: ClinVar variation 677076 (VCV000677076.1), dbSNP rs3841234, ClinGen allele CA273754775.